The following is an entry in ClinVar:

NM_001253697.2(ERBIN):c.2480A>C (p.Glu827Ala)

Gene: ERBIN (erbb2 interacting protein; plus strand). Cytogenetic location: 5q12.3.
Variant type: single nucleotide variant.
Coding change: c.2480A>C on transcript NM_001253697.2 (MANE Select); coding-DNA position 2480, A replaced by C.
Protein change: p.Glu827Ala; replaces glutamic acid 827 with alanine.
Molecular consequence: missense variant.
Genome position (GRCh38, 1-based): chr5:66,053,798, A>C. VCF-style: chr5-66053798-A-C. GRCh37 (hg19) VCF-style: chr5-65349626-A-C.
Other names: c.2480A>C, p.Glu827Ala (NM_001006600.3, NM_001253698.2, NM_001253699.2 and 1 more transcripts); c.2468A>C, p.Glu823Ala (NM_001253701.2); short protein forms E823A, E827A.
Identifiers: ClinVar variation 2869666 (VCV002869666.3), dbSNP rs745376843, ClinGen allele CA3286495.
Genomic context (GRCh38, chr5:66,053,798, plus strand): 5'-TGGAAAATGGAAACAAGTATCCTAATTTGGAATCCGTAAATAAGGTAAATGGACATTCTG[A>C]GGAAACTTCCCAGTCTCCTAATAGGACTGAACCACATGACAGTGATTGTTCTGTTGACTT-3'
Protein context (NP_001240626.1, residues 817-837): ESVNKVNGHS[Glu827Ala]ETSQSPNRTE

ClinVar aggregate classification (germline): Uncertain significance (1 of 4 stars; one submission).

Allele frequency attached by ClinVar (database versions not stated): ExAC 0.00001.
gnomAD v4.1: 4 of 1,613,952 alleles (0.00025%); highest among the groups gnomAD compares: South Asian, 0.0044%; no homozygotes.

Submission:

Labcorp Genetics (formerly Invitae), Labcorp
Classification: Uncertain significance. Last evaluated: 2023-05-23. Review status: criteria provided, single submitter. Criteria: Invitae Variant Classification Sherloc (09022015). Collection method: clinical testing. Allele origin: germline.
Comment: Algorithms developed to predict the effect of missense changes on protein structure and function output the following: SIFT: "Not Available"; PolyPhen-2: "Benign"; Align-GVGD: "Not Available". The alanine amino acid residue is found in multiple mammalian species, which suggests that this missense change does not adversely affect protein function. In summary, the available evidence is currently insufficient to determine the role of this variant in disease. Therefore, it has been classified as a Variant of Uncertain Significance. This variant has not been reported in the literature in individuals affected with ERBIN-related conditions. This sequence change replaces glutamic acid, which is acidic and polar, with alanine, which is neutral and non-polar, at codon 827 of the ERBIN protein (p.Glu827Ala). This variant is present in population databases (rs745376843, gnomAD 0.003%).